The following is an entry in ClinVar:

ClinVar aggregate classification (germline): Pathogenic. Review status: criteria provided, multiple submitters, no conflicts (2 of 4 stars). 2 submissions from 2 submitters: Pathogenic (2). Last evaluated 2024-08-08.

Conditions:
Hereditary breast ovarian cancer syndrome. Also called: BRCA1- and BRCA2-Associated Hereditary Breast and Ovarian Cancer; Hereditary breast and ovarian cancer; Hereditary breast and/or ovarian cancer syndrome; Hereditary breast and ovarian cancer syndrome; Hereditary breast and ovarian cancer syndrome (HBOC); Breast and ovarian cancer. Identifiers: Orphanet 145, MedGen C0677776, MeSH D061325, MONDO:0003582. Disease mechanism: loss of function.
Hereditary cancer-predisposing syndrome. Also called: Neoplastic Syndromes, Hereditary; Hereditary Cancer Syndrome; Tumor predisposition; Hereditary neoplastic syndrome. Identifiers: Orphanet 140162, MedGen C0027672, MeSH D009386, MONDO:0015356.

Submissions (2):

Labcorp Genetics (formerly Invitae), Labcorp
Classification: Pathogenic for Hereditary breast ovarian cancer syndrome. Last evaluated: 2024-08-08. Review status: criteria provided, single submitter. Criteria: Invitae Variant Classification Sherloc (09022015). Collection method: clinical testing. Allele origin: germline.
Comment: This sequence change creates a premature translational stop signal (p.Thr2967Lysfs*9) in the BRCA2 gene. It is expected to result in an absent or disrupted protein product. Loss-of-function variants in BRCA2 are known to be pathogenic (PMID: 20104584). This variant is not present in population databases (gnomAD no frequency). This variant has not been reported in the literature in individuals affected with BRCA2-related conditions. ClinVar contains an entry for this variant (Variation ID: 574772). For these reasons, this variant has been classified as Pathogenic.

Ambry Genetics
Classification: Pathogenic for Hereditary cancer-predisposing syndrome. Last evaluated: 2023-09-26. Review status: criteria provided, single submitter. Criteria: Ambry Variant Classification Scheme 2023. Collection method: clinical testing. Allele origin: germline.
Comment: The c.8900delC pathogenic mutation, located in coding exon 21 of the BRCA2 gene, results from a deletion of one nucleotide at nucleotide position 8900, causing a translational frameshift with a predicted alternate stop codon (p.T2967Kfs*9). This alteration is expected to result in loss of function by premature protein truncation or nonsense-mediated mRNA decay. As such, this alteration is interpreted as a disease-causing mutation.

Literature cited by the submitters: PubMed 20104584 (cited by Labcorp Genetics (formerly Invitae), Labcorp).

NM_000059.4(BRCA2):c.8900del (p.Thr2967fs)

Gene: BRCA2 (BRCA2 DNA repair associated; plus strand). Cytogenetic location: 13q13.1.
Variant type: Deletion.
Coding change: c.8900del on transcript NM_000059.4 (MANE Select); coding-DNA position 8900, one base deleted (C; older notation c.8900delC).
Protein change: p.Thr2967fs; shifts the reading frame from threonine 2967.
Molecular consequence: frameshift variant.
Genome position (GRCh38, 1-based): chr13:32,379,462, C deleted. VCF-style (leftmost placement, unchanged base first): chr13-32379461-AC-A. GRCh37 (hg19) VCF-style: chr13-32953598-AC-A.
Other names: c.8900delC (NM_000059.3); short protein forms T2967fs.
Identifiers: ClinVar variation 574772 (VCV000574772.11), dbSNP rs1566252738, ClinGen allele CA891843580.
Genomic context (GRCh38, chr13:32,379,461, plus strand): 5'-GAAATTAGGAAGGCCATGGAATCTGCTGAACAAAAGGAACAAGGTTTATCAAGGGATGTC[AC>A]AACCGTGTGGAAGTTGCGTATTGTAAGCTATTCAAAAAAAGAAAAAGATTCAGGTAAGTA-3'